The following is an entry in ClinVar:

ClinVar aggregate classification (germline): Uncertain significance (1 of 4 stars; one submission).

Submission:

Labcorp Genetics (formerly Invitae), Labcorp
Classification: Uncertain significance. Last evaluated: 2022-06-22. Review status: criteria provided, single submitter. Criteria: Invitae Variant Classification Sherloc (09022015). Collection method: clinical testing. Allele origin: germline.
Comment: This sequence change replaces alanine, which is neutral and non-polar, with valine, which is neutral and non-polar, at codon 445 of the SZT2 protein (p.Ala445Val). In summary, the available evidence is currently insufficient to determine the role of this variant in disease. Therefore, it has been classified as a Variant of Uncertain Significance. Algorithms developed to predict the effect of missense changes on protein structure and function are either unavailable or do not agree on the potential impact of this missense change (SIFT: "Tolerated"; PolyPhen-2: "Probably Damaging"; Align-GVGD: "Class C0"). This variant has not been reported in the literature in individuals affected with SZT2-related conditions. This variant is present in population databases (no rsID available, gnomAD 0.001%).

NM_001365999.1(SZT2):c.1334C>T (p.Ala445Val)

Gene: SZT2 (SZT2 subunit of KICSTOR complex; plus strand). Cytogenetic location: 1p34.2.
Variant type: single nucleotide variant.
Coding change: c.1334C>T on transcript NM_001365999.1 (MANE Select); coding-DNA position 1334, C replaced by T.
Protein change: p.Ala445Val; replaces alanine 445 with valine.
Molecular consequence: missense variant.
Genome position (GRCh38, 1-based): chr1:43,420,821, C>T. VCF-style: chr1-43420821-C-T. GRCh37 (hg19) VCF-style: chr1-43886492-C-T.
Other names: c.1334C>T, p.Ala445Val (NM_015284.4); short protein forms A445V.
Identifiers: ClinVar variation 2009465 (VCV002009465.4), dbSNP rs1357577737, ClinGen allele CA340007344.
Genomic context (GRCh38, chr1:43,420,821, plus strand): 5'-TGGAGGTAAAGCTGGTGCTGCTGTGGAAACACAACATGCGCATTGAGTATGTGGCTATGG[C>T]ACCCTGGCCCCTGGAGCCTGAGGGCCCTCGAGTAACACGGGTGGAAGTGACGATGGAAGG-3'
Protein context (NP_001352928.1, residues 435-455): HNMRIEYVAM[Ala445Val]PWPLEPEGPR